The following is an entry in ClinVar:

NM_000112.4(SLC26A2):c.822del (p.Leu275fs)

Gene: SLC26A2 (solute carrier family 26 member 2; plus strand). Cytogenetic location: 5q32.
Variant type: Deletion.
Coding change: c.822del on transcript NM_000112.4 (MANE Select); coding-DNA position 822, one base deleted (G; older notation c.822delG).
Protein change: p.Leu275fs; shifts the reading frame from leucine 275.
Molecular consequence: frameshift variant.
Genome position (GRCh38, 1-based): chr5:149,980,415, G deleted; the last of 3 consecutive G bases (chr5:149,980,413-149,980,415); deleting any one gives the same sequence. VCF-style (leftmost placement, unchanged base first): chr5-149980412-TG-T. GRCh37 (hg19) VCF-style: chr5-149359975-TG-T.
Other names: short protein forms L275fs.
Identifiers: ClinVar variation 2678883 (VCV002678883.3), dbSNP rs2480774313, ClinGen allele CA2695198771.
Genomic context (GRCh38, chr5:149,980,412, plus strand): 5'-GAGTGGATTTGTCACTGGTGCCTCCTTCACTATTCTTACATCTCAGGCCAAGTATCTTCT[TG>T]GGCTCAACCTTCCTCGGACTAATGGTGTGGGCTCACTCATCACTACCTGGATACATGTCT-3'

ClinVar aggregate classification (germline): Pathogenic/Likely pathogenic. Review status: criteria provided, multiple submitters, no conflicts (2 of 4 stars). 2 submissions from 2 submitters: Pathogenic (1); Likely pathogenic (1). Last evaluated 2025-02-15.

Conditions:
Achondrogenesis, type IB (ACG1B). Also called: Achondrogenesis Type 1B. Identifiers: Orphanet 932, Orphanet 93298, MedGen C0265274, MONDO:0010966, OMIM 600972.
Diastrophic dysplasia (DTD). Also called: Diastrophic dwarfism. Identifiers: Orphanet 628, MedGen C0220726, MONDO:0009107, OMIM 222600.
Multiple epiphyseal dysplasia type 4 (EDM4). Also called: Multiple Epiphyseal Dysplasia, Recessive; MULTIPLE EPIPHYSEAL DYSPLASIA WITH BILAYERED PATELLAE; MULTIPLE EPIPHYSEAL DYSPLASIA WITH CLUBFOOT; MULTIPLE EPIPHYSEAL DYSPLASIA, AUTOSOMAL RECESSIVE; SLC26A2-Related Multiple Epiphyseal Dysplasia. Identifiers: Orphanet 93307, MedGen C1847593, MONDO:0009189, OMIM 226900.
Atelosteogenesis type II (AO2). Also called: NEONATAL OSSEOUS DYSPLASIA I; Neonatal osseous dysplasia 1; SLC26A2-Related Atelosteogenesis. Identifiers: Orphanet 56304, MedGen C1850554, MONDO:0009727, OMIM 256050.

Submissions (2):

Labcorp Genetics (formerly Invitae), Labcorp
Classification: Pathogenic for Atelosteogenesis type II; Multiple epiphyseal dysplasia type 4; Achondrogenesis, type IB; Diastrophic dysplasia. Last evaluated: 2025-02-15. Review status: criteria provided, single submitter. Criteria: Invitae Variant Classification Sherloc (09022015). Collection method: clinical testing. Allele origin: germline.
Comment: This sequence change creates a premature translational stop signal (p.Leu275Serfs*67) in the SLC26A2 gene. While this is not anticipated to result in nonsense mediated decay, it is expected to disrupt the last 465 amino acid(s) of the SLC26A2 protein. This variant is not present in population databases (gnomAD no frequency). This variant has not been reported in the literature in individuals affected with SLC26A2-related conditions. ClinVar contains an entry for this variant (Variation ID: 2678883). This variant disrupts a region of the SLC26A2 protein in which other variant(s) (p.Ala715Val) have been determined to be pathogenic (PMID: 8571951, 11448940, 15294877, 21077204, 21922596; internal data). This suggests that this is a clinically significant region of the protein, and that variants that disrupt it are likely to be disease-causing. For these reasons, this variant has been classified as Pathogenic.

Baylor Genetics
Classification: Likely pathogenic for Achondrogenesis, type IB. Last evaluated: 2023-08-14. Review status: criteria provided, single submitter. Criteria: ACMG Guidelines, 2015. Collection method: clinical testing. Allele origin: unknown.

Literature cited by the submitters: PubMed 8571951 (cited by Labcorp Genetics (formerly Invitae), Labcorp); PubMed 11448940 (cited by Labcorp Genetics (formerly Invitae), Labcorp); PubMed 15294877 (cited by Labcorp Genetics (formerly Invitae), Labcorp); PubMed 21077204 (cited by Labcorp Genetics (formerly Invitae), Labcorp); PubMed 21922596 (cited by Labcorp Genetics (formerly Invitae), Labcorp).